The following is an entry in ClinVar:

NM_002772.3(TMPRSS15):c.2185C>T (p.Pro729Ser)

Gene: TMPRSS15 (transmembrane serine protease 15; minus strand). Cytogenetic location: 21q21.1.
Variant type: single nucleotide variant.
Coding change: c.2185C>T on transcript NM_002772.3 (MANE Select); coding-DNA position 2185, C replaced by T.
Protein change: p.Pro729Ser; replaces proline 729 with serine.
Molecular consequence: missense variant.
Genome position (GRCh38, 1-based): chr21:18,297,810, G>A on the plus strand (C>T on the coding strand, the complement: TMPRSS15 is on the minus strand). VCF-style: chr21-18297810-G-A. GRCh37 (hg19) VCF-style: chr21-19670127-G-A.
Other names: c.2185C>T (NM_002772.2); short protein forms P729S.
Identifiers: ClinVar variation 2053314 (VCV002053314.2), dbSNP rs375925991, ClinGen allele CA9984162.

ClinVar aggregate classification (germline): Uncertain significance. Review status: criteria provided, multiple submitters, no conflicts (2 of 4 stars). 2 submissions from 2 submitters: Uncertain significance (2). Last evaluated 2024-08-05.

Allele frequency attached by ClinVar (database versions not stated): ExAC 0.00003; ESP Exome Variant Server 0.00008; gnomAD 0.00008; gnomAD exomes 0.00012.
gnomAD v4.1: 184 of 1,613,024 alleles (0.011%); highest among the groups gnomAD compares: Non-Finnish European, 0.015%; no homozygotes.

Submissions (2):

Ambry Genetics
Classification: Uncertain significance. Last evaluated: 2024-08-05. Review status: criteria provided, single submitter. Criteria: Ambry Variant Classification Scheme 2023. Collection method: clinical testing. Allele origin: germline.

Labcorp Genetics (formerly Invitae), Labcorp
Classification: Uncertain significance. Last evaluated: 2022-07-14. Review status: criteria provided, single submitter. Criteria: Invitae Variant Classification Sherloc (09022015). Collection method: clinical testing. Allele origin: germline.
Comment: This sequence change replaces proline, which is neutral and non-polar, with serine, which is neutral and polar, at codon 729 of the TMPRSS15 protein (p.Pro729Ser). This variant is present in population databases (rs375925991, gnomAD 0.008%). This variant has not been reported in the literature in individuals affected with TMPRSS15-related conditions. Algorithms developed to predict the effect of missense changes on protein structure and function output the following: SIFT: "Not Available"; PolyPhen-2: "Benign"; Align-GVGD: "Not Available". The serine amino acid residue is found in multiple mammalian species, which suggests that this missense change does not adversely affect protein function. In summary, the available evidence is currently insufficient to determine the role of this variant in disease. Therefore, it has been classified as a Variant of Uncertain Significance.